The following is an entry in ClinVar:

NM_000051.4(ATM):c.8993T>C (p.Ile2998Thr)

Genes: ATM (ATM serine/threonine kinase; plus strand), C11orf65 (chromosome 11 open reading frame 65; minus strand). Cytogenetic location: 11q22.3.
Variant type: single nucleotide variant.
Coding change: c.8993T>C on transcript NM_000051.4 (MANE Select); coding-DNA position 8993, T replaced by C.
Protein change: p.Ile2998Thr; replaces isoleucine 2998 with threonine.
Molecular consequence: missense variant. On other transcripts: intron variant (2).
Genome position (GRCh38, 1-based): chr11:108,365,330, T>C. VCF-style: chr11-108365330-T-C. GRCh37 (hg19) VCF-style: chr11-108236057-T-C.
Other names: c.640+20590A>G (NM_001330368.2); c.694+20590A>G (NM_001351110.2); c.8993T>C, p.Ile2998Thr (NM_001351834.2); short protein forms I2998T.
Identifiers: ClinVar variation 236795 (VCV000236795.52), dbSNP rs778670498, ClinGen allele CA6266514.

ClinVar aggregate classification (germline): Conflicting classifications of pathogenicity. Review status: criteria provided, conflicting classifications (1 of 4 stars). 10 submissions from 10 submitters: Uncertain significance (9); Likely benign (1). Last evaluated 2025-12-10.

Conditions:
Hereditary cancer-predisposing syndrome. Also called: Neoplastic Syndromes, Hereditary; Hereditary neoplastic syndrome; Tumor predisposition; Hereditary Cancer Syndrome. Identifiers: Orphanet 140162, MedGen C0027672, MeSH D009386, MONDO:0015356.
ATM-related cancer predisposition. Also called: ATM-related cancer susceptibility. Identifiers: MedGen CN377759, MONDO:0700270.
Familial cancer of breast. Also called: hereditary breast carcinoma; Hereditary breast cancer; BREAST CANCER, FAMILIAL. Identifiers: Orphanet 227535, MedGen C0346153, MONDO:0016419, OMIM 114480. Disease mechanism: loss of function.
Ataxia-telangiectasia syndrome (AT). Also called: Ataxia telangiectasia (A-T); Cerebello-oculocutaneous telangiectasia; Immunodeficiency with ataxia telangiectasia; LOUIS-BAR SYNDROME; AT, COMPLEMENTATION GROUP C; ATAXIA-TELANGIECTASIA, FRESNO VARIANT. Identifiers: Orphanet 100, MedGen C0004135, MONDO:0008840, OMIM 208900.

Allele frequency attached by ClinVar (database versions not stated): gnomAD exomes 0.00001 and 0.00002; gnomAD 0.00001; ExAC 0.00001; TOPMed 0.00002.
gnomAD v4.1: 5 of 1,614,118 alleles (0.00031%); highest among the groups gnomAD compares: African/African-American, 0.004%; no homozygotes.

Submissions (10):

Color Diagnostics, LLC DBA Color Health
Classification: Uncertain significance for Hereditary cancer-predisposing syndrome. Last evaluated: 2025-12-10. Review status: criteria provided, single submitter. Criteria: ACMG Guidelines, 2015. Collection method: clinical testing. Allele origin: germline.
Comment: This missense variant replaces isoleucine with threonine at codon 2998 of the ATM protein. Computational prediction suggests that this variant may not impact protein structure and function. To our knowledge, functional studies have not been reported for this variant. This variant has not been reported in individuals affected with ATM-related disorders in the literature. This variant has been identified in 5/1614118 chromosomes in the general population by the Genome Aggregation Database (gnomAD). The available evidence is insufficient to determine the role of this variant in disease conclusively. Therefore, this variant is classified as a Variant of Uncertain Significance.

Labcorp Genetics (formerly Invitae), Labcorp
Classification: Uncertain significance for Ataxia-telangiectasia syndrome. Last evaluated: 2025-10-21. Review status: criteria provided, single submitter. Criteria: Invitae Variant Classification Sherloc (09022015). Collection method: clinical testing. Allele origin: germline.
Comment: This sequence change replaces isoleucine, which is neutral and non-polar, with threonine, which is neutral and polar, at codon 2998 of the ATM protein (p.Ile2998Thr). This variant is present in population databases (rs778670498, gnomAD 0.02%). This variant has not been reported in the literature in individuals affected with ATM-related conditions. ClinVar contains an entry for this variant (Variation ID: 236795). Invitae Evidence Modeling of protein sequence and biophysical properties (such as structural, functional, and spatial information, amino acid conservation, physicochemical variation, residue mobility, and thermodynamic stability) indicates that this missense variant is not expected to disrupt ATM protein function with a negative predictive value of 95%. In summary, the available evidence is currently insufficient to determine the role of this variant in disease. Therefore, it has been classified as a Variant of Uncertain Significance.

GeneDx
Classification: Uncertain significance. Last evaluated: 2024-04-16. Review status: criteria provided, single submitter. Criteria: GeneDx Variant Classification Process June 2021. Collection method: clinical testing. Allele origin: germline. Affected: yes.
Comment: In silico analysis indicates that this missense variant does not alter protein structure/function; Has not been previously published as pathogenic or benign to our knowledge; This variant is associated with the following publications: (PMID: 23532176)

KCCC/NGS Laboratory, Kuwait Cancer Control Center
Classification: Uncertain significance for Familial cancer of breast. Last evaluated: 2023-06-06. Review status: criteria provided, single submitter. Criteria: ACMG Guidelines, 2015. Collection method: clinical testing. Allele origin: germline. Affected: yes.
Comment: A variant of uncertain significance n the ATM gene. This sequence change replaces isoleucine with threonine at codon 2998 of the ATM protein (p.Ile2998Thr). This variant is present in population databases (rs778670498, ExAC 0.01%). This variant has not been reported in the literature in individuals with ATM-related disease. ClinVar contains an entry for this variant (Variation ID: 236795) with 5 submissions, 1 benign, and 4 uncertain significance. In-silico predictions show Benign computational verdict based on 12 benign predictions from PolyPhen, BayesDel_addAF, DANN, DEOGEN2, EIGEN, FATHMM-MKL, LIST-S2, M-CAP, MVP, MutationAssessor, PrimateAI and SIFT vs 1 pathogenic prediction from MutationTaster and the position is not strongly conserved. The threonine amino acid residue is found in multiple mammalian species, suggesting that this missense change does not adversely affect protein function. These predictions have not been confirmed by published functional studies and their clinical significance is uncertain. Therefore, it has been classified as a Variant of Uncertain Significance. Pathogenic/likely pathogenic mutations in the ATM gene cause susceptibility to breast cancer (OMIM# 114480).

CeGaT Center for Human Genetics Tuebingen
Classification: Uncertain significance. Last evaluated: 2023-06-01. Review status: criteria provided, single submitter. Criteria: CeGaT Center For Human Genetics Tuebingen Variant Classification Criteria Version 2. Collection method: clinical testing. Allele origin: germline. Affected: yes. Observed: 1 variant allele.
Comment: ATM: PM2, BP4

St. Jude Molecular Pathology, St. Jude Children's Research Hospital
Classification: Uncertain significance for Familial cancer of breast. Last evaluated: 2023-02-23. Review status: criteria provided, single submitter. Criteria: St. Jude Assertion Criteria 2020. Collection method: clinical testing. Allele origin: germline.
Comment: The ATM c.8993T>C (p.Ile2998Thr) missense change has a maximum subpopulation frequency of 0.018% in gnomAD v2.1.1. The in silico tool REVEL predicts a benign effect on protein function, but to our knowledge this prediction has not been confirmed by functional studies. This variant is absent in a database of women older than 70 years of age who have never had cancer (FLOSSIES database). To our knowledge, this variant has not been reported in individuals with ataxia telangiectasia. In summary, the evidence currently available is insufficient to determine the clinical significance of this variant. It has therefore been classified as of uncertain significance.

Department of Pathology and Laboratory Medicine, Sinai Health System
Classification: Uncertain significance for ATM-related cancer predisposition. Last evaluated: 2023-01-04. Review status: criteria provided, single submitter. Criteria: ACMG Guidelines, 2015. Collection method: clinical testing. Allele origin: germline. Affected: no.

Women's Health and Genetics/Laboratory Corporation of America, LabCorp
Classification: Uncertain significance. Last evaluated: 2016-10-14. Review status: criteria provided, single submitter. Criteria: LabCorp Variant Classification Summary - May 2015. Collection method: clinical testing. Allele origin: germline.
Comment: Variant summary: The ATM c.8993T>C (p.Ile2998Thr) variant involves the alteration of a non-conserved nucleotide. 4/5 in silico tools predict a benign outcome for this substitution. This variant was found in 1/121384 control chromosomes at a frequency of 0.0000082, which does not exceed the estimated maximal expected allele frequency of a pathogenic ATM variant (0.0010005). The variant of interest has not, to our knowledge, been reported in affected individuals via publications and/or reputable databases/clinical diagnostic laboratories; nor evaluated for functional impact by in vivo/vitro studies. A clinical diagnostic laboratory classified this variant as uncertain significance. Because of the absence of clinical information and the lack of functional studies, the variant is classified as a variant of uncertain significance (VUS) until additional information becomes available.

Ambry Genetics
Classification: Likely benign for Hereditary cancer-predisposing syndrome. Last evaluated: 2016-02-12. Review status: criteria provided, single submitter. Criteria: Ambry Variant Classification Scheme 2023. Collection method: clinical testing. Allele origin: germline.

Center for Genomics, Ann and Robert H. Lurie Children's Hospital of Chicago
Classification: Uncertain significance for Ataxia-telangiectasia syndrome; Familial cancer of breast. Review status: criteria provided, single submitter. Criteria: ACMG Guidelines, 2015. Collection method: clinical testing. Allele origin: germline.
Comment: ATM NM_000051.3 exon 63 p.Ile2998Thr (c.8993T>C): This variant has not been reported in the literature but is present in 0.004% (2/41460) of African alleles in the Genome Aggregation Database. This variant is present in ClinVar (Variation ID:236795). This variant amino acid Threonine (Thr) is present in several species including multiple mammals and is not well conserved among evolutionarily distant species; this suggests that this variant may not impact the protein. Additional computational prediction tools do not suggest an impact. In summary, data on this variant is insufficient for disease classification. Therefore, the clinical significance of this variant is uncertain.